The following is an entry in ClinVar:

NM_000751.3(CHRND):c.1187G>T (p.Arg396Leu)

Gene: CHRND (cholinergic receptor nicotinic delta subunit; plus strand). Cytogenetic location: 2q37.1.
Variant type: single nucleotide variant.
Coding change: c.1187G>T on transcript NM_000751.3 (MANE Select); coding-DNA position 1187, G replaced by T.
Protein change: p.Arg396Leu; replaces arginine 396 with leucine.
Molecular consequence: missense variant.
Genome position (GRCh38, 1-based): chr2:232,534,070, G>T. VCF-style: chr2-232534070-G-T. GRCh37 (hg19) VCF-style: chr2-233398780-G-T.
Other names: c.1142G>T, p.Arg381Leu (NM_001256657.2); c.605G>T, p.Arg202Leu (NM_001311195.2); c.884G>T, p.Arg295Leu (NM_001311196.2); short protein forms R202L, R295L, R381L, R396L.
Identifiers: ClinVar variation 1312096 (VCV001312096.2), dbSNP rs770837281, ClinGen allele CA2168283.

ClinVar aggregate classification (germline): Uncertain significance (1 of 4 stars; one submission).

Allele frequency attached by ClinVar (database versions not stated): TOPMed 0.00002.
gnomAD v4.1: 5 of 1,613,984 alleles (0.00031%); highest among the groups gnomAD compares: African/African-American, 0.0067%; no homozygotes.

Submission:

GeneDx
Classification: Uncertain significance. Last evaluated: 2019-09-11. Review status: criteria provided, single submitter. Criteria: GeneDx Variant Classification Process June 2021. Collection method: clinical testing. Allele origin: germline. Affected: yes.
Comment: Not observed at a significant frequency in large population cohorts (Lek et al., 2016); In silico analysis, which includes protein predictors and evolutionary conservation, supports a deleterious effect; Has not been previously published as pathogenic or benign to our knowledge